The following is an entry in ClinVar:

ClinVar aggregate classification (germline): Likely benign (1 of 4 stars; one submission).

Conditions:
Familial colorectal cancer type X. Identifiers: Orphanet 440437, MedGen C3896578, MONDO:0018604.

Submission:

Myriad Genetics, Inc.
Classification: Likely benign for Familial colorectal cancer type X. Last evaluated: 2026-07-31. Review status: criteria provided, single submitter. Criteria: Myriad Autosomal Dominant, Autosomal Recessive and X-Linked Classification Criteria (2023). Collection method: clinical testing. Allele origin: unknown.
Comment: This variant is considered likely benign. This variant is intronic and is not expected to impact mRNA splicing.

NM_001023.4(RPS20):c.104-8T>C

Gene: RPS20 (ribosomal protein S20; minus strand). Cytogenetic location: 8q12.1.
Variant type: single nucleotide variant.
Coding change: c.104-8T>C on transcript NM_001023.4 (MANE Select); 8 bases into the intron before coding-DNA position 104, T replaced by C.
Molecular consequence: intron variant.
Genome position (GRCh38, 1-based): chr8:56,073,776, A>G on the plus strand (T>C on the coding strand, the complement: RPS20 is on the minus strand). VCF-style: chr8-56073776-A-G. GRCh37 (hg19) VCF-style: chr8-56986335-A-G.
Other names: c.104-8T>C (NM_001146227.3).
Identifiers: ClinVar variation 5042337 (VCV005042337.1).
Genomic context (GRCh38, chr8:56,073,776, plus strand): 5'-TCCTTTCACTTTGAGATTCTTTTCTTTTGCGCCTCTTATCAAGTCAGCACACACTACAGG[A>G]AATAAAAGACCTCTCAGTATAATCGAAACAATTAAAATCGGCTTAAGGCCTTCACTTCTG-3'